The following is an entry in ClinVar:

ClinVar aggregate classification (germline): Pathogenic/Likely pathogenic. Review status: criteria provided, multiple submitters, no conflicts (2 of 4 stars). 2 submissions from 2 submitters: Pathogenic (1); Likely pathogenic (1). Last evaluated 2025-02-18.

Conditions:
Hereditary spastic paraplegia 4. Also called: Familial spastic paraplegia autosomal dominant 2; Spastic paraplegia 4, autosomal dominant; Spastic Paraplegia 4. Identifiers: Orphanet 100985, MedGen C1866855, MONDO:0008438, OMIM 182601.

Submissions (2):

GeneDx
Classification: Likely pathogenic. Last evaluated: 2025-02-18. Review status: criteria provided, single submitter. Criteria: GeneDx Variant Classification Process June 2021. Collection method: clinical testing. Allele origin: germline. Affected: yes.
Comment: Frameshift variant predicted to result in protein truncation or nonsense mediated decay in a gene for which loss of function is a known mechanism of disease; Not observed at significant frequency in large population cohorts (gnomAD); Has not been previously published as pathogenic or benign to our knowledge

Labcorp Genetics (formerly Invitae), Labcorp
Classification: Pathogenic for Hereditary spastic paraplegia 4. Last evaluated: 2022-09-10. Review status: criteria provided, single submitter. Criteria: Invitae Variant Classification Sherloc (09022015). Collection method: clinical testing. Allele origin: germline.
Comment: For these reasons, this variant has been classified as Pathogenic. This variant has not been reported in the literature in individuals affected with SPAST-related conditions. This variant is not present in population databases (gnomAD no frequency). This sequence change creates a premature translational stop signal (p.Asn319Lysfs*8) in the SPAST gene. It is expected to result in an absent or disrupted protein product. Loss-of-function variants in SPAST are known to be pathogenic (PMID: 20932283).

Literature cited by the submitters: PubMed 20932283 (cited by Labcorp Genetics (formerly Invitae), Labcorp).

NM_014946.4(SPAST):c.956dup (p.Asn319fs)

Gene: SPAST (spastin; plus strand). Cytogenetic location: 2p22.3.
Variant type: Duplication.
Coding change: c.956dup on transcript NM_014946.4 (MANE Select); coding-DNA position 956, one base duplicated (A; older notation c.956dupA).
Protein change: p.Asn319fs; shifts the reading frame from asparagine 319.
Molecular consequence: frameshift variant.
Genome position (GRCh38, 1-based): chr2:32,115,787, A duplicated; the last of 2 consecutive A bases (chr2:32,115,786-32,115,787); duplicating either gives the same sequence. VCF-style (leftmost placement, unchanged base first): chr2-32115785-G-GA. GRCh37 (hg19) VCF-style: chr2-32340854-G-GA.
Other names: c.953dup, p.Asn318fs (NM_001363823.2); c.857dup, p.Asn286fs (NM_001363875.2); c.860dup, p.Asn287fs (NM_001377959.1, NM_199436.2); short protein forms N286fs, N318fs, N319fs, N287fs.
Identifiers: ClinVar variation 2126249 (VCV002126249.5), dbSNP rs2465838666, ClinGen allele CA2580066388.